The following is an entry in ClinVar:

ClinVar aggregate classification (germline): Uncertain significance. Review status: criteria provided, multiple submitters, no conflicts (2 of 4 stars). 2 submissions from 2 submitters: Uncertain significance (2). Last evaluated 2024-11-10.

Conditions:
Cardiovascular phenotype. Identifiers: MedGen CN230736.
Hypertrophic cardiomyopathy. Also called: HYPERTROPHIC MYOCARDIOPATHY. Identifiers: Orphanet 217569, MedGen C0007194, MeSH D002312, MONDO:0005045, HP:0001639.

Allele frequency attached by ClinVar (database versions not stated): gnomAD exomes 0.00001.
gnomAD v4.1: 10 of 1,613,398 alleles (0.00062%); highest among the groups gnomAD compares: East Asian, 0.0045%; no homozygotes.

Submissions (2):

Labcorp Genetics (formerly Invitae), Labcorp
Classification: Uncertain significance for Hypertrophic cardiomyopathy. Last evaluated: 2024-11-10. Review status: criteria provided, single submitter. Criteria: Invitae Variant Classification Sherloc (09022015). Collection method: clinical testing. Allele origin: germline.
Comment: This sequence change replaces arginine, which is basic and polar, with tryptophan, which is neutral and slightly polar, at codon 655 of the JPH2 protein (p.Arg655Trp). The frequency data for this variant in the population databases is considered unreliable, as metrics indicate poor data quality at this position in the gnomAD database. This variant has not been reported in the literature in individuals affected with JPH2-related conditions. ClinVar contains an entry for this variant (Variation ID: 2347194). An algorithm developed to predict the effect of missense changes on protein structure and function (PolyPhen-2) suggests that this variant is likely to be tolerated. In summary, the available evidence is currently insufficient to determine the role of this variant in disease. Therefore, it has been classified as a Variant of Uncertain Significance.

Ambry Genetics
Classification: Uncertain significance for Cardiovascular phenotype. Last evaluated: 2024-09-17. Review status: criteria provided, single submitter. Criteria: Ambry Variant Classification Scheme 2023. Collection method: clinical testing. Allele origin: germline.
Comment: The p.R655W variant (also known as c.1963C>T), located in coding exon 4 of the JPH2 gene, results from a C to T substitution at nucleotide position 1963. The arginine at codon 655 is replaced by tryptophan, an amino acid with dissimilar properties. This amino acid position is conserved. In addition, this alteration is predicted to be tolerated by in silico analysis. Based on the available evidence, the clinical significance of this variant remains unclear.

NM_020433.5(JPH2):c.1963C>T (p.Arg655Trp)

Gene: JPH2 (junctophilin 2; minus strand). Cytogenetic location: 20q13.12.
Variant type: single nucleotide variant.
Coding change: c.1963C>T on transcript NM_020433.5 (MANE Select); coding-DNA position 1963, C replaced by T.
Protein change: p.Arg655Trp; replaces arginine 655 with tryptophan.
Molecular consequence: missense variant.
Genome position (GRCh38, 1-based): chr20:44,115,712, G>A on the plus strand (C>T on the coding strand, the complement: JPH2 is on the minus strand). VCF-style: chr20-44115712-G-A. GRCh37 (hg19) VCF-style: chr20-42744352-G-A.
Other names: short protein forms R655W.
Identifiers: ClinVar variation 2347194 (VCV002347194.5), dbSNP rs1247189279, ClinGen allele CA409099589.
Genomic context (GRCh38, chr20:44,115,712, plus strand): 5'-CCGACAGCCTCACCTCTTCCACCTCCACCTCCGCCTCTGCCGCCAGTGCGGCCTCCTTCC[G>A]CGCCTTCTTCTTGGCCCCCGCCTTGGTCAGCCCTCGAGCCTCAGTCTTGCGGGCCTTGGC-3'
Protein context (NP_065166.2, residues 645-665): LTKAGAKKKA[Arg655Trp]KEAALAAEAE